The following is an entry in ClinVar:

NM_001127222.2(CACNA1A):c.5452C>G (p.Arg1818Gly)

Gene: CACNA1A (calcium voltage-gated channel subunit alpha1 A; minus strand). Cytogenetic location: 19p13.13.
Variant type: single nucleotide variant.
Coding change: c.5452C>G on transcript NM_001127222.2 (MANE Select); coding-DNA position 5452, C replaced by G.
Protein change: p.Arg1818Gly; replaces arginine 1818 with glycine.
Molecular consequence: missense variant.
Genome position (GRCh38, 1-based): chr19:13,230,158, G>C on the plus strand (C>G on the coding strand, the complement: CACNA1A is on the minus strand). VCF-style: chr19-13230158-G-C. GRCh37 (hg19) VCF-style: chr19-13340972-G-C.
Other names: c.5470C>G, p.Arg1824Gly (NM_000068.4, NM_023035.3); c.5455C>G, p.Arg1819Gly (NM_001127221.2); c.5461C>G, p.Arg1821Gly (NM_001174080.2); short protein forms R1818G, R1824G, R1819G, R1821G.
Identifiers: ClinVar variation 651122 (VCV000651122.9), dbSNP rs267606696, ClinGen allele CA9239730.

ClinVar aggregate classification (germline): Uncertain significance (1 of 4 stars; one submission).

Conditions:
Developmental and epileptic encephalopathy, 42 (DEE42A). Also called: Epileptic encephalopathy, early infantile, 42; DEVELOPMENTAL AND EPILEPTIC ENCEPHALOPATHY 42A; EPILEPTIC ENCEPHALOPATHY, EARLY INFANTILE, 42A. Identifiers: MedGen C4310716, MONDO:0014917, OMIM 617106.
Episodic ataxia type 2 (EA2). Also called: CEREBELLAR ATAXIA, PAROXYSMAL, ACETAZOLAMIDE-RESPONSIVE; CEREBELLOPATHY, HEREDITARY PAROXYSMAL; EPISODIC ATAXIA, NYSTAGMUS-ASSOCIATED; ATAXIA, EPISODIC, WITH NYSTAGMUS; ATAXIA, FAMILIAL PAROXYSMAL; ACETAZOLAMIDE-RESPONSIVE HEREDITARY PAROXYSMAL CEREBELLAR ATAXIA. Identifiers: Orphanet 97, MedGen C1720416, MONDO:0007163, OMIM 108500.

Allele frequency attached by ClinVar (database versions not stated): gnomAD exomes below 0.00001; ExAC 0.00001.
gnomAD v4.1: 1 of 1,613,884 alleles (0.000062%); highest among the groups gnomAD compares: Non-Finnish European, 0.000085%; no homozygotes.

Submission:

Labcorp Genetics (formerly Invitae), Labcorp
Classification: Uncertain significance for Developmental and epileptic encephalopathy, 42; Episodic ataxia type 2. Last evaluated: 2018-09-24. Review status: criteria provided, single submitter. Criteria: Invitae Variant Classification Sherloc (09022015). Collection method: clinical testing. Allele origin: germline.
Comment: In summary, the available evidence is currently insufficient to determine the role of this variant in disease. Therefore, it has been classified as a Variant of Uncertain Significance. Algorithms developed to predict the effect of missense changes on protein structure and function (SIFT, PolyPhen-2, Align-GVGD) all suggest that this variant is likely to be disruptive, but these predictions have not been confirmed by published functional studies and their clinical significance is uncertain. This variant has not been reported in the literature in individuals with CACNA1A-related disease. This variant is present in population databases (rs267606696, ExAC 0.002%). This sequence change replaces arginine with glycine at codon 1819 of the CACNA1A protein (p.Arg1819Gly). The arginine residue is highly conserved and there is a moderate physicochemical difference between arginine and glycine.